The following is an entry in ClinVar:

ClinVar aggregate classification (germline): Uncertain significance (0 of 4 stars; one submission).

Conditions:
ADCY3-related disorder. Also called: ADCY3-related condition.

Submission:

PreventionGenetics, part of Exact Sciences
Classification: Uncertain significance for ADCY3-related condition. Last evaluated: 2023-10-24. Review status: no assertion criteria provided. Collection method: clinical testing. Allele origin: germline.
Comment: The ADCY3 c.2888T>C variant is predicted to result in the amino acid substitution p.Leu963Pro. To our knowledge, this variant has not been reported in the literature or in a large population database, indicating this variant is rare. At this time, the clinical significance of this variant is uncertain due to the absence of conclusive functional and genetic evidence.

NM_004036.5(ADCY3):c.2885T>C (p.Leu962Pro)

Gene: ADCY3 (adenylate cyclase 3; minus strand). Cytogenetic location: 2p23.3.
Variant type: single nucleotide variant.
Coding change: c.2885T>C on transcript NM_004036.5 (MANE Select); coding-DNA position 2885, T replaced by C.
Protein change: p.Leu962Pro; replaces leucine 962 with proline.
Molecular consequence: missense variant.
Genome position (GRCh38, 1-based): chr2:24,822,629, A>G on the plus strand (T>C on the coding strand, the complement: ADCY3 is on the minus strand). VCF-style: chr2-24822629-A-G. GRCh37 (hg19) VCF-style: chr2-25045498-A-G.
Other names: c.2888T>C, p.Leu963Pro (NM_001320613.2); c.2951T>C, p.Leu984Pro (NM_001377128.1); c.2747T>C, p.Leu916Pro (NM_001377129.1); c.2333T>C, p.Leu778Pro (NM_001377130.1); c.2162T>C, p.Leu721Pro (NM_001377131.1); c.2885T>C, p.Leu962Pro (NM_001377132.1); short protein forms L721P, L778P, L916P, L962P, L963P, L984P.
Identifiers: ClinVar variation 3348733 (VCV003348733.1).
Genomic context (GRCh38, chr2:24,822,629, plus strand): 5'-ATATACGTGCTGCCAATGGTTTTGATCTTGGTGATCACCCGGAACTTGGGATTGTCCAGG[A>G]GCTGAGGCCAGGATTCAGGAAAGAATTGTCAGCAGTCAAGGGAGAGGAATGACCCAACCC-3'
Protein context (NP_004027.2, residues 952-972): LNEIISDFDS[Leu962Pro]LDNPKFRVIT